The following is an entry in ClinVar:

NM_001369387.1(GNAL):c.91C>T (p.Gln31Ter)

Gene: GNAL (G protein subunit alpha L; plus strand). Cytogenetic location: 18p11.21.
Variant type: single nucleotide variant.
Coding change: c.91C>T on transcript NM_001369387.1 (MANE Plus Clinical); coding-DNA position 91, C replaced by T.
Protein change: p.Gln31Ter; replaces glutamine 31 with a stop codon.
Molecular consequence: nonsense. On other transcripts: intron variant (1).
Genome position (GRCh38, 1-based): chr18:11,752,524, C>T. VCF-style: chr18-11752524-C-T. GRCh37 (hg19) VCF-style: chr18-11752523-C-T.
Other names: c.91C>T, p.Gln31Ter (NM_001142339.3, NM_001261443.2); c.377-329C>T (NM_182978.4); short protein forms Q31*.
Identifiers: ClinVar variation 1454252 (VCV001454252.6), dbSNP rs2143097031, ClinGen allele CA401925923.
Genomic context (GRCh38, chr18:11,752,524, plus strand): 5'-ACGGAAGACCAGGGCGTCGATGAAAAAGAACGACGCGAGGCCAACAAAAAGATCGAGAAG[C>T]AGTTGCAGAAAGAGCGCCTGGCTTACAAGGCTACCCACCGCCTGCTGCTCCTGGGTAAGG-3'

ClinVar aggregate classification (germline): Pathogenic (1 of 4 stars; one submission).

Conditions:
Dystonic disorder. Also called: Dystonia. Identifiers: MedGen C0013421, MONDO:0003441, HP:0001332.

Submission:

Labcorp Genetics (formerly Invitae), Labcorp
Classification: Pathogenic for Dystonic disorder. Last evaluated: 2021-05-30. Review status: criteria provided, single submitter. Criteria: Invitae Variant Classification Sherloc (09022015). Collection method: clinical testing. Allele origin: germline.
Comment: This sequence change creates a premature translational stop signal (p.Gln31*) in the GNAL gene. It is expected to result in an absent or disrupted protein product. Loss-of-function variants in GNAL are known to be pathogenic (PMID: 23222958, 27123488). This variant is not present in population databases (ExAC no frequency). This variant has not been reported in the literature in individuals with GNAL-related conditions. For these reasons, this variant has been classified as Pathogenic.

Literature cited by the submitters: PubMed 23222958; PubMed 27123488.